The following is an entry in ClinVar:

NM_001348716.2(KDM6B):c.292C>G (p.Gln98Glu)

Gene: KDM6B (lysine demethylase 6B; plus strand). Cytogenetic location: 17p13.1.
Variant type: single nucleotide variant.
Coding change: c.292C>G on transcript NM_001348716.2 (MANE Select); coding-DNA position 292, C replaced by G.
Protein change: p.Gln98Glu; replaces glutamine 98 with glutamic acid.
Molecular consequence: missense variant.
Genome position (GRCh38, 1-based): chr17:7,846,133, C>G. VCF-style: chr17-7846133-C-G. GRCh37 (hg19) VCF-style: chr17-7749451-C-G.
Other names: c.292C>G, p.Gln98Glu (NM_001080424.2); short protein forms Q98E.
Identifiers: ClinVar variation 1706144 (VCV001706144.3), dbSNP rs2544520170, ClinGen allele CA397910861.
Genomic context (GRCh38, chr17:7,846,133, plus strand): 5'-TGTAGGGCGCCCACTCCAAGACCCCTCCATGGGAAGCTGGAATCCCTGCATGGCTGTGTG[C>G]AGGCATTGCTCCGGGAGCCAGCCCAGCCAGGGCTTTGGGAACAGCTTGGGCAACTGTACG-3'
Protein context (NP_001335645.1, residues 88-108): GKLESLHGCV[Gln98Glu]ALLREPAQPG

ClinVar aggregate classification (germline): Uncertain significance (1 of 4 stars; one submission).

Submission:

GeneDx
Classification: Uncertain significance. Last evaluated: 2025-07-01. Review status: criteria provided, single submitter. Criteria: GeneDx Variant Classification Process June 2021. Collection method: clinical testing. Allele origin: germline.
Comment: Not observed at significant frequency in large population cohorts (gnomAD); In silico analysis suggests that this missense variant does not alter protein structure/function; Has not been previously published as pathogenic or benign to our knowledge